The following is an entry in ClinVar:

ClinVar aggregate classification (germline): Pathogenic (1 of 4 stars; one submission).

Submission:

Labcorp Genetics (formerly Invitae), Labcorp
Classification: Pathogenic. Last evaluated: 2021-12-23. Review status: criteria provided, single submitter. Criteria: Invitae Variant Classification Sherloc (09022015). Collection method: clinical testing. Allele origin: germline.
Comment: This sequence change creates a premature translational stop signal (p.Phe629Profs*20) in the TGM1 gene. It is expected to result in an absent or disrupted protein product. Loss-of-function variants in TGM1 are known to be pathogenic (PMID: 18948357, 19241467). This variant is not present in population databases (gnomAD no frequency). This variant has not been reported in the literature in individuals affected with TGM1-related conditions. For these reasons, this variant has been classified as Pathogenic.

Literature cited by the submitters: PubMed 18948357; PubMed 19241467.

NM_000359.3(TGM1):c.1879_1883dup (p.Phe629fs)

Gene: TGM1 (transglutaminase 1; minus strand). Cytogenetic location: 14q12.
Variant type: Duplication.
Coding change: c.1879_1883dup on transcript NM_000359.3 (MANE Select); coding-DNA positions 1879 to 1883, 5 bases duplicated (ACCAT; older notation c.1879_1883dupACCAT).
Protein change: p.Phe629fs; shifts the reading frame from phenylalanine 629.
Molecular consequence: frameshift variant.
Genome position (GRCh38, 1-based): chr14:24,255,016-24,255,020, ATGGT duplicated on the plus strand (ACCAT on the coding strand, the reverse complement: TGM1 is on the minus strand); duplicating any 5 consecutive bases within chr14:24,255,016-24,255,021 gives the same sequence; the c. name uses the placement nearest the transcript's 3' end. VCF-style (leftmost placement, unchanged base first): chr14-24255015-G-GATGGT. GRCh37 (hg19) VCF-style: chr14-24724221-G-GATGGT.
Other names: short protein forms F629fs.
Identifiers: ClinVar variation 2056190 (VCV002056190.4), dbSNP rs2502493803, ClinGen allele CA2580087975.